The following is an entry in ClinVar:

ClinVar aggregate classification (germline): Uncertain significance. Review status: criteria provided, multiple submitters, no conflicts (2 of 4 stars). 4 submissions from 4 submitters: Uncertain significance (4). Last evaluated 2025-10-27.

Conditions:
Familial thoracic aortic aneurysm and aortic dissection (TAAD). Also called: Thoracic aortic aneurysms and dissections. Identifiers: Orphanet 91387, MedGen C4707243, MONDO:0019625.

Allele frequency attached by ClinVar (database versions not stated): gnomAD exomes below 0.00001.
gnomAD v4.1: 1 of 1,614,116 alleles (0.000062%); highest among the groups gnomAD compares: Non-Finnish European, 0.000085%; no homozygotes.

Submissions (4):

Color Diagnostics, LLC DBA Color Health
Classification: Uncertain significance for Familial thoracic aortic aneurysm and aortic dissection. Last evaluated: 2025-10-27. Review status: criteria provided, single submitter. Criteria: ACMG Guidelines, 2015. Collection method: clinical testing. Allele origin: germline.
Comment: This missense variant replaces leucine with valine at codon 1443 of the MYH11 protein. Computational prediction is inconclusive regarding the impact of this variant on protein structure and function. To our knowledge, functional studies have not been reported for this variant. This variant has not been reported in individuals affected with MYH11-related disorders in the literature. This variant has not been identified in the general population by the Genome Aggregation Database (gnomAD). The available evidence is insufficient to determine the role of this variant in disease conclusively. Therefore, this variant is classified as a Variant of Uncertain Significance.

GeneDx
Classification: Uncertain significance. Last evaluated: 2024-07-25. Review status: criteria provided, single submitter. Criteria: GeneDx Variant Classification Process June 2021. Collection method: clinical testing. Allele origin: germline. Affected: yes.
Comment: Not observed at significant frequency in large population cohorts (gnomAD); In silico analysis indicates that this missense variant does not alter protein structure/function; Has not been previously published as pathogenic or benign to our knowledge; This variant is associated with the following publications: (PMID: 21529752)

All of Us Research Program, National Institutes of Health
Classification: Uncertain significance for Familial thoracic aortic aneurysm and aortic dissection. Last evaluated: 2023-08-15. Review status: criteria provided, single submitter. Criteria: ACMG Guidelines, 2015. Collection method: clinical testing. Allele origin: germline. Inheritance: Autosomal dominant inheritance. Observed: 1 variant allele, 1 heterozygote.
Comment: This missense variant replaces leucine with valine at codon 1443 of the MYH11 protein. Computational prediction is inconclusive regarding the impact of this variant on protein structure and function (internally defined REVEL score threshold 0.5 < inconclusive < 0.7, PMID: 27666373). To our knowledge, functional studies have not been reported for this variant. This variant has not been reported in individuals affected with MYH11-related disorders in the literature. This variant has not been identified in the general population by the Genome Aggregation Database (gnomAD). The available evidence is insufficient to determine the role of this variant in disease conclusively. Therefore, this variant is classified as a Variant of Uncertain Significance.

This study involves interpretation of variants in research participants for the purpose of population health screening. Participant phenotype was not available at the time of variant classification. Additional details can be found in publication PMID: 35346344, PMCID: PMC8962531

Ambry Genetics
Classification: Uncertain significance for Familial thoracic aortic aneurysm and aortic dissection. Last evaluated: 2023-04-25. Review status: criteria provided, single submitter. Criteria: Ambry Variant Classification Scheme 2023. Collection method: clinical testing. Allele origin: germline.
Comment: The p.L1436V variant (also known as c.4306T>G), located in coding exon 30 of the MYH11 gene, results from a T to G substitution at nucleotide position 4306. The leucine at codon 1436 is replaced by valine, an amino acid with highly similar properties. This amino acid position is conserved. In addition, this alteration is predicted to be tolerated by in silico analysis. Since supporting evidence is limited at this time, the clinical significance of this alteration remains unclear.

NM_002474.3(MYH11):c.4306T>G (p.Leu1436Val)

Genes: MYH11 (myosin heavy chain 11; minus strand), NDE1 (nudE neurodevelopment protein 1; plus strand). Cytogenetic location: 16p13.11.
Variant type: single nucleotide variant.
Coding change: c.4306T>G on transcript NM_002474.3 (MANE Select); coding-DNA position 4306, T replaced by G.
Protein change: p.Leu1436Val; replaces leucine 1436 with valine.
Molecular consequence: missense variant.
Genome position (GRCh38, 1-based): chr16:15,724,220, A>C on the plus strand (T>G on the coding strand, the complement: MYH11 is on the minus strand). VCF-style: chr16-15724220-A-C. GRCh37 (hg19) VCF-style: chr16-15818077-A-C.
Other names: c.4327T>G, p.Leu1443Val (NM_001040113.2, NM_001040114.2); c.4306T>G, p.Leu1436Val (NM_022844.3); c.977A>C, p.Lys326Thr (NM_001143979.2, NM_017668.3); short protein forms K326T, L1443V, L1436V.
Identifiers: ClinVar variation 2561566 (VCV002561566.5), dbSNP rs2506140700, ClinGen allele CA394857040.